The following is an entry in ClinVar:

ClinVar aggregate classification (germline): Benign/Likely benign. Review status: criteria provided, multiple submitters, no conflicts (2 of 4 stars). 4 submissions from 4 submitters: Benign (1); Likely benign (3). Last evaluated 2025-02-26.

Conditions:
Multiple endocrine neoplasia type 2A. Also called: Multiple Endocrine Neoplasia Type 2A (MEN2A); MULTIPLE ENDOCRINE NEOPLASIA, TYPE IIA; PTC SYNDROME; SIPPLE SYNDROME; MEN 2A; MEN-2A syndrome. Identifiers: Orphanet 247698, Orphanet 653, MedGen C0025268, MeSH D018813, MONDO:0008234, OMIM 171400.
Hereditary cancer-predisposing syndrome. Also called: Tumor predisposition; Hereditary neoplastic syndrome; Neoplastic Syndromes, Hereditary; Hereditary Cancer Syndrome. Identifiers: Orphanet 140162, MedGen C0027672, MeSH D009386, MONDO:0015356.
Multiple endocrine neoplasia, type 2 (MEN2). Identifiers: Orphanet 653, MedGen C4048306, MONDO:0019003. Disease mechanism: gain of function.

Allele frequency attached by ClinVar (database versions not stated): gnomAD exomes below 0.00001.
gnomAD v4.1: 1 of 1,614,090 alleles (0.000062%); highest among the groups gnomAD compares: Non-Finnish European, 0.000085%; no homozygotes.

Submissions (4):

Myriad Genetics, Inc.
Classification: Benign for Multiple endocrine neoplasia type 2A. Last evaluated: 2025-02-26. Review status: criteria provided, single submitter. Criteria: Myriad Autosomal Dominant, Autosomal Recessive and X-Linked Classification Criteria (2023). Collection method: clinical testing. Allele origin: unknown.
Comment: This variant is considered benign. This variant is a silent/synonymous amino acid change and it is not expected to impact splicing.

Labcorp Genetics (formerly Invitae), Labcorp
Classification: Likely benign for Multiple endocrine neoplasia, type 2. Last evaluated: 2024-05-18. Review status: criteria provided, single submitter. Criteria: Invitae Variant Classification Sherloc (09022015). Collection method: clinical testing. Allele origin: germline.

Blueprint Genetics
Classification: Likely benign. Last evaluated: 2021-08-27. Review status: criteria provided, single submitter. Criteria: ACMG Guidelines, 2015. Collection method: clinical testing. Allele origin: germline.

Ambry Genetics
Classification: Likely benign for Hereditary cancer-predisposing syndrome. Last evaluated: 2021-04-19. Review status: criteria provided, single submitter. Criteria: Ambry Variant Classification Scheme 2023. Collection method: clinical testing. Allele origin: germline.

NM_020975.6(RET):c.2352C>T (p.His784=)

Gene: RET (ret proto-oncogene; plus strand). Cytogenetic location: 10q11.21.
Variant type: single nucleotide variant.
Coding change: c.2352C>T on transcript NM_020975.6 (MANE Select); coding-DNA position 2352, C replaced by T.
Protein change: p.His784=; no amino-acid change (histidine 784 retained).
Molecular consequence: synonymous variant.
Genome position (GRCh38, 1-based): chr10:43,118,440, C>T. VCF-style: chr10-43118440-C-T. GRCh37 (hg19) VCF-style: chr10-43613888-C-T.
Other names: c.2352C>T, p.His784= (NM_000323.2, NM_001406743.1, NM_001406744.1 and 4 more transcripts); c.1590C>T, p.His530= (NM_001355216.2); c.2223C>T, p.His741= (NM_001406761.1, NM_001406762.1, NM_001406764.1); c.2217C>T, p.His739= (NM_001406763.1, NM_001406765.1); c.2064C>T, p.His688= (NM_001406766.1, NM_001406767.1, NM_001406770.1); c.2088C>T, p.His696= (NM_001406768.1); c.1956C>T, p.His652= (NM_001406769.1, NM_001406772.1); c.1914C>T, p.His638= (NM_001406771.1, NM_001406773.1); and 10 more.
Identifiers: ClinVar variation 765190 (VCV000765190.14), dbSNP rs1588876518, ClinGen allele CA469028171.
Genomic context (GRCh38, chr10:43,118,440, plus strand): 5'-CTCCCCGAGTGAGCTGCGAGACCTGCTGTCAGAGTTCAACGTCCTGAAGCAGGTCAACCA[C>T]CCACATGTCATCAAATTGTATGGGGCCTGCAGCCAGGATGGTAAGGCCAGCTGCAGGGTG-3'
Protein context (NP_066124.1, residues 774-794): SEFNVLKQVN[His784=]PHVIKLYGAC